The following is an entry in ClinVar:

ClinVar aggregate classification (germline): Pathogenic (1 of 4 stars; one submission).

Conditions:
Fanconi anemia (FA). Also called: Fanconi's anemia. Identifiers: Orphanet 84, MedGen C0015625, MeSH D005199, MONDO:0019391.

Allele frequency attached by ClinVar (database versions not stated): TOPMed below 0.00001.

Submission:

Labcorp Genetics (formerly Invitae), Labcorp
Classification: Pathogenic for Fanconi anemia. Last evaluated: 2025-12-01. Review status: criteria provided, single submitter. Criteria: Invitae Variant Classification Sherloc (09022015). Collection method: clinical testing. Allele origin: germline.
Comment: This sequence change creates a premature translational stop signal (p.Asp339Ilefs*18) in the FANCM gene. It is expected to result in an absent or disrupted protein product. Loss-of-function variants in FANCM are known to be pathogenic (PMID: 29895858, 30075111). This variant is not present in population databases (gnomAD no frequency). This variant has not been reported in the literature in individuals affected with FANCM-related conditions. ClinVar contains an entry for this variant (Variation ID: 1409711). For these reasons, this variant has been classified as Pathogenic.

Literature cited by the submitters: PubMed 29895858; PubMed 30075111.

NM_020937.4(FANCM):c.1015del (p.Asp339fs)

Gene: FANCM (FA complementation group M; plus strand). Cytogenetic location: 14q21.2.
Variant type: Deletion.
Coding change: c.1015del on transcript NM_020937.4 (MANE Select); coding-DNA position 1015, one base deleted (G; older notation c.1015delG).
Protein change: p.Asp339fs; shifts the reading frame from aspartic acid 339.
Molecular consequence: frameshift variant.
Genome position (GRCh38, 1-based): chr14:45,151,493, G deleted. VCF-style (leftmost placement, unchanged base first): chr14-45151492-AG-A. GRCh37 (hg19) VCF-style: chr14-45620695-AG-A.
Other names: c.937del, p.Asp313fs (NM_001308133.2); c.1015del, p.Asp339fs (NM_001308134.2); short protein forms D313fs, D339fs.
Identifiers: ClinVar variation 1409711 (VCV001409711.6), dbSNP rs1216266838, ClinGen allele CA706082298.